The following is an entry in ClinVar:

NM_014845.6(FIG4):c.205del (p.Arg69fs)

Gene: FIG4 (FIG4 phosphoinositide 5-phosphatase; plus strand). Cytogenetic location: 6q21.
Variant type: Deletion.
Coding change: c.205del on transcript NM_014845.6 (MANE Select); coding-DNA position 205, one base deleted (C; older notation c.205delC).
Protein change: p.Arg69fs; shifts the reading frame from arginine 69.
Molecular consequence: frameshift variant.
Genome position (GRCh38, 1-based): chr6:109,716,484, C deleted; the last of 2 consecutive C bases (chr6:109,716,483-109,716,484); deleting either gives the same sequence. VCF-style (leftmost placement, unchanged base first): chr6-109716482-GC-G. GRCh37 (hg19) VCF-style: chr6-110037685-GC-G.
Other names: short protein forms R69fs.
Identifiers: ClinVar variation 4712952 (VCV004712952.1).

ClinVar aggregate classification (germline): Pathogenic (1 of 4 stars; one submission).

Conditions:
Charcot-Marie-Tooth disease type 4. Also called: Charcot-Marie-Tooth disease, type IV; Charcot-Marie-Tooth, Type 4. Identifiers: Orphanet 64749, MedGen C4082197, MONDO:0018995.

Submission:

Labcorp Genetics (formerly Invitae), Labcorp
Classification: Pathogenic for Charcot-Marie-Tooth disease type 4. Last evaluated: 2025-02-12. Review status: criteria provided, single submitter. Criteria: Invitae Variant Classification Sherloc (09022015). Collection method: clinical testing. Allele origin: germline.
Comment: This sequence change creates a premature translational stop signal (p.Arg69Alafs*34) in the FIG4 gene. It is expected to result in an absent or disrupted protein product. Loss-of-function variants in FIG4 are known to be pathogenic (PMID: 23623387, 30740813). This variant is not present in population databases (gnomAD no frequency). This variant has not been reported in the literature in individuals affected with FIG4-related conditions. For these reasons, this variant has been classified as Pathogenic.

Literature cited by the submitters: PubMed 23623387; PubMed 30740813.